The following is an entry in ClinVar:

NM_001372.4(DNAH9):c.11073C>T (p.Asp3691=)

Gene: DNAH9 (dynein axonemal heavy chain 9; plus strand). Cytogenetic location: 17p12.
Variant type: single nucleotide variant.
Coding change: c.11073C>T on transcript NM_001372.4 (MANE Select); coding-DNA position 11073, C replaced by T.
Protein change: p.Asp3691=; no amino-acid change (aspartic acid 3691 retained).
Molecular consequence: synonymous variant.
Genome position (GRCh38, 1-based): chr17:11,886,926, C>T. VCF-style: chr17-11886926-C-T. GRCh37 (hg19) VCF-style: chr17-11790243-C-T.
Other names: c.11073C>T (NM_001372.3); c.9C>T, p.Asp3= (NM_004662.2).
Identifiers: ClinVar variation 2168049 (VCV002168049.6), dbSNP rs560605650, ClinGen allele CA8397724.

ClinVar aggregate classification (germline): Benign. Review status: criteria provided, single submitter (1 of 4 stars). 2 submissions from 2 submitters: Benign (1). 1 of the submissions does not count toward it. Last evaluated 2025-12-08.

Conditions:
DNAH9-related disorder. Also called: DNAH9-related condition.

Allele frequency attached by ClinVar (database versions not stated): TOPMed 0.00009; gnomAD 0.00027; gnomAD exomes 0.00056; ExAC 0.00137; 1000 Genomes Project 30x 0.00172; 1000 Genomes Project 0.00180.
gnomAD v4.1: 874 of 1,612,932 alleles (0.054%); highest among the groups gnomAD compares: South Asian, 0.88%; 11 homozygotes.

Submissions (2):

Labcorp Genetics (formerly Invitae), Labcorp
Classification: Benign. Last evaluated: 2025-12-08. Review status: criteria provided, single submitter. Criteria: Invitae Variant Classification Sherloc (09022015). Collection method: clinical testing. Allele origin: germline.

PreventionGenetics, part of Exact Sciences
Classification: Benign for DNAH9-related condition. Last evaluated: 2019-05-28. Review status: no assertion criteria provided. Collection method: clinical testing. Allele origin: germline. Not counted in ClinVar's aggregate classification.
Comment: This variant is classified as benign based on ACMG/AMP sequence variant interpretation guidelines (Richards et al. 2015 PMID: 25741868, with internal and published modifications).